The following is an entry in ClinVar:

ClinVar aggregate classification (germline): Conflicting classifications of pathogenicity. Review status: criteria provided, conflicting classifications (1 of 4 stars). 3 submissions from 3 submitters: Uncertain significance (2); Likely benign (1). Last evaluated 2025-03-26.

Conditions:
Hereditary cancer-predisposing syndrome. Also called: Tumor predisposition; Hereditary Cancer Syndrome; Neoplastic Syndromes, Hereditary; Hereditary neoplastic syndrome. Identifiers: Orphanet 140162, MedGen C0027672, MeSH D009386, MONDO:0015356.
Hereditary nonpolyposis colorectal neoplasms. Identifiers: MedGen C0009405, MeSH D003123.

Allele frequency attached by ClinVar (database versions not stated): gnomAD exomes below 0.00001; ExAC 0.00001.
gnomAD v4.1: 1 of 1,614,254 alleles (0.000062%); highest among the groups gnomAD compares: South Asian, 0.0011%; no homozygotes.

Submissions (3):

Labcorp Genetics (formerly Invitae), Labcorp
Classification: Likely benign for Hereditary nonpolyposis colorectal neoplasms. Last evaluated: 2025-03-26. Review status: criteria provided, single submitter. Criteria: Invitae Variant Classification Sherloc (09022015). Collection method: clinical testing. Allele origin: germline.

Color Diagnostics, LLC DBA Color Health
Classification: Uncertain significance for Hereditary cancer-predisposing syndrome. Last evaluated: 2023-12-05. Review status: criteria provided, single submitter. Criteria: ACMG Guidelines, 2015. Collection method: clinical testing. Allele origin: germline.
Comment: This missense variant replaces tyrosine with histidine at codon 103 of the MSH6 protein. Computational prediction tools and conservation analyses are inconclusive regarding the impact of this variant on the protein function. Computational splicing tools suggest that this variant may not impact RNA splicing. To our knowledge, functional assays have not been performed for this variant nor has this variant been reported in individuals affected with hereditary cancer in the literature. This variant has been identified in 1/251488 chromosomes in the general population by the Genome Aggregation Database (gnomAD). Available evidence is insufficient to determine the role of this variant in disease conclusively. Therefore, this variant is classified as a Variant of Uncertain Significance.

Ambry Genetics
Classification: Uncertain significance for Hereditary cancer-predisposing syndrome. Last evaluated: 2018-12-01. Review status: criteria provided, single submitter. Criteria: Ambry Variant Classification Scheme 2023. Collection method: clinical testing. Allele origin: germline.
Comment: The p.Y103H variant (also known as c.307T>C), located in coding exon 2 of the MSH6 gene, results from a T to C substitution at nucleotide position 307. The tyrosine at codon 103 is replaced by histidine, an amino acid with similar properties. This amino acid position is not well conserved in available vertebrate species. In addition, this alteration is predicted to be tolerated by in silico analysis. In addition, the CoDP in silico tool predicts this alteration to have minor impact on molecular function, with a score of 0.000 (Terui H et al. J. Biomed. Sci. 2013 Apr;20:25). Since supporting evidence is limited at this time, the clinical significance of this alteration remains unclear.

NM_000179.3(MSH6):c.307T>C (p.Tyr103His)

Gene: MSH6 (mutS homolog 6; plus strand). Cytogenetic location: 2p16.3.
Variant type: single nucleotide variant.
Coding change: c.307T>C on transcript NM_000179.3 (MANE Select); coding-DNA position 307, T replaced by C.
Protein change: p.Tyr103His; replaces tyrosine 103 with histidine.
Molecular consequence: missense variant. On other transcripts: 5 prime UTR variant (2), intron variant (1).
Genome position (GRCh38, 1-based): chr2:47,790,973, T>C. VCF-style: chr2-47790973-T-C. GRCh37 (hg19) VCF-style: chr2-48018112-T-C.
Other names: c.-430T>C (NM_001281493.2); c.-596T>C (NM_001281494.2); c.237+7503T>C (NM_001281492.2); short protein forms Y103H.
Identifiers: ClinVar variation 822818 (VCV000822818.12), dbSNP rs758303780, ClinGen allele CA070019.